The following is an entry in ClinVar:

ClinVar aggregate classification (germline): Uncertain significance (1 of 4 stars; one submission).

Conditions:
Inborn genetic diseases. Identifiers: MedGen C0950123, MeSH D030342.

Submission:

Ambry Genetics
Classification: Uncertain significance for Inborn genetic diseases. Last evaluated: 2022-06-20. Review status: criteria provided, single submitter. Criteria: Ambry Variant Classification Scheme 2023. Collection method: clinical testing. Allele origin: germline.
Comment: The p.S1593R variant (also known as c.4779T>A), located in coding exon 33 of the LRRK2 gene, results from a T to A substitution at nucleotide position 4779. The serine at codon 1593 is replaced by arginine, an amino acid with dissimilar properties. This amino acid position is conserved. In addition, this alteration is predicted to be tolerated by in silico analysis. Since supporting evidence is limited at this time, the clinical significance of this alteration remains unclear.

NM_198578.4(LRRK2):c.4779T>A (p.Ser1593Arg)

Gene: LRRK2 (leucine rich repeat kinase 2; plus strand). Cytogenetic location: 12q12.
Variant type: single nucleotide variant.
Coding change: c.4779T>A on transcript NM_198578.4 (MANE Select); coding-DNA position 4779, T replaced by A.
Protein change: p.Ser1593Arg; replaces serine 1593 with arginine.
Molecular consequence: missense variant.
Genome position (GRCh38, 1-based): chr12:40,315,252, T>A. VCF-style: chr12-40315252-T-A. GRCh37 (hg19) VCF-style: chr12-40709054-T-A.
Other names: short protein forms S1593R.
Identifiers: ClinVar variation 1743013 (VCV001743013.2), dbSNP rs2499852932, ClinGen allele CA384419262.
Genomic context (GRCh38, chr12:40,315,252, plus strand): 5'-TTGATGACTTTTTACTACAGGAGTCCTTCTTCATTTTCAAGACCCAGCACTGCAGTTAAG[T>A]GACTTGTACTTTGTGGAACCCAAGTGGCTTTGTAAAATCATGGCACAGGTTGGTGTCTTT-3'
Protein context (NP_940980.4, residues 1583-1603): LHFQDPALQL[Ser1593Arg]DLYFVEPKWL